The following is an entry in ClinVar:

ClinVar aggregate classification (germline): Pathogenic. Review status: criteria provided, multiple submitters, no conflicts (2 of 4 stars). 6 submissions from 6 submitters: Pathogenic (4). 2 of the submissions do not count toward it. Last evaluated 2025-08-19.

Conditions:
Hereditary nonpolyposis colorectal neoplasms. Identifiers: MedGen C0009405, MeSH D003123.
Hereditary cancer-predisposing syndrome. Also called: Neoplastic Syndromes, Hereditary; Tumor predisposition; Hereditary neoplastic syndrome; Hereditary Cancer Syndrome. Identifiers: Orphanet 140162, MedGen C0027672, MeSH D009386, MONDO:0015356.
Lynch syndrome 5 (LYNCH5). Also called: Colorectal cancer, hereditary nonpolyposis, type 5; Hereditary non-polyposis colorectal cancer, type 5. Identifiers: Orphanet 144, MedGen C1833477, MONDO:0013710, OMIM 614350. Disease mechanism: loss of function.
Endometrial carcinoma. Also called: Endometrial carcinoma, somatic. Identifiers: MedGen C0476089, MONDO:0002447, OMIM 608089, HP:0012114.
Mismatch repair cancer syndrome 3. Identifiers: MedGen C5436807, MONDO:0030841, OMIM 619097.
Lynch-like syndrome.
Colorectal cancer. Also called: Colorectal cancer, somatic; Malignant Colorectal Neoplasm. Identifiers: MedGen C0346629, MONDO:0005575, OMIM 114500.

Submissions (6):

Ambry Genetics
Classification: Pathogenic for Hereditary cancer-predisposing syndrome. Last evaluated: 2025-08-19. Review status: criteria provided, single submitter. Criteria: Ambry Variant Classification Scheme 2023. Collection method: clinical testing. Allele origin: germline.
Comment: The c.2079delA pathogenic mutation, located in coding exon 4 of the MSH6 gene, results from a deletion of one nucleotide at nucleotide position 2079, causing a translational frameshift with a predicted alternate stop codon (p.K693Nfs*43). This variant is considered to be rare based on population cohorts in the Genome Aggregation Database (gnomAD). This alteration is expected to result in loss of function by premature protein truncation or nonsense-mediated mRNA decay. As such, this alteration is interpreted as a disease-causing mutation.

Labcorp Genetics (formerly Invitae), Labcorp
Classification: Pathogenic for Hereditary nonpolyposis colorectal neoplasms. Last evaluated: 2024-03-04. Review status: criteria provided, single submitter. Criteria: Invitae Variant Classification Sherloc (09022015). Collection method: clinical testing. Allele origin: germline.
Comment: This sequence change creates a premature translational stop signal (p.Lys693Asnfs*43) in the MSH6 gene. It is expected to result in an absent or disrupted protein product. Loss-of-function variants in MSH6 are known to be pathogenic (PMID: 18269114, 24362816). This variant is not present in population databases (gnomAD no frequency). This variant has not been reported in the literature in individuals affected with MSH6-related conditions. ClinVar contains an entry for this variant (Variation ID: 567689). For these reasons, this variant has been classified as Pathogenic.

Myriad Genetics, Inc.
Classification: Pathogenic for Lynch syndrome 5. Last evaluated: 2023-08-16. Review status: criteria provided, single submitter. Criteria: Myriad Autosomal Dominant, Autosomal Recessive and X-Linked Classification Criteria (2023). Collection method: clinical testing. Allele origin: unknown.
Comment: This variant is considered pathogenic. This variant creates a frameshift predicted to result in premature protein truncation.

Molecular Genetics Lab, CHRU Brest
Classification: Pathogenic for Mismatch repair cancer syndrome 3; Lynch syndrome 5; Endometrial carcinoma. Review status: criteria provided, single submitter. Criteria: ACMG Guidelines, 2015. Collection method: clinical testing. Allele origin: maternal. Affected: no.

Constitutional Genetics Lab, Leon Berard Cancer Center
Classification: Pathogenic for Lynch-like syndrome. Last evaluated: 2019-07-01. Review status: no assertion criteria provided. Collection method: clinical testing. Allele origin: somatic. Affected: yes. Not counted in ClinVar's aggregate classification.

Genomic Center, National Cancer Institute
Classification: Pathogenic for Colorectal cancer. Review status: no assertion criteria provided. Collection method: case-control. Allele origin: germline. Affected: yes. Not counted in ClinVar's aggregate classification.

Literature cited by the submitters: PubMed 18269114 (cited by Labcorp Genetics (formerly Invitae), Labcorp); PubMed 24362816 (cited by Labcorp Genetics (formerly Invitae), Labcorp).

NM_000179.3(MSH6):c.2079del (p.Lys693fs)

Gene: MSH6 (mutS homolog 6; plus strand). Cytogenetic location: 2p16.3.
Variant type: Deletion.
Coding change: c.2079del on transcript NM_000179.3 (MANE Select); coding-DNA position 2079, one base deleted (A; older notation c.2079delA).
Protein change: p.Lys693fs; shifts the reading frame from lysine 693.
Molecular consequence: frameshift variant.
Genome position (GRCh38, 1-based): chr2:47,800,062, A deleted; the last of 6 consecutive A bases (chr2:47,800,057-47,800,062); deleting any one gives the same sequence. VCF-style (leftmost placement, unchanged base first): chr2-47800056-CA-C. GRCh37 (hg19) VCF-style: chr2-48027195-CA-C.
Other names: c.2079delA (NM_000179.3, NM_000179.2); c.1689del, p.Lys563fs (NM_001281492.2); c.1173del, p.Lys391fs (NM_001281493.2, NM_001281494.2); c.2079del (NM_000179.2); short protein forms K563fs, K391fs, K693fs.
Identifiers: ClinVar variation 567689 (VCV000567689.15), dbSNP rs267608083, ClinGen allele CA645514885.